The following is an entry in ClinVar:

NM_181882.3(PRX):c.899T>C (p.Leu300Ser)

Gene: PRX (periaxin; minus strand). Cytogenetic location: 19q13.2.
Variant type: single nucleotide variant.
Coding change: c.899T>C on transcript NM_181882.3 (MANE Select); coding-DNA position 899, T replaced by C.
Protein change: p.Leu300Ser; replaces leucine 300 with serine.
Molecular consequence: missense variant. On other transcripts: 3 prime UTR variant (1).
Genome position (GRCh38, 1-based): chr19:40,397,453, A>G on the plus strand (T>C on the coding strand, the complement: PRX is on the minus strand). VCF-style: chr19-40397453-A-G. GRCh37 (hg19) VCF-style: chr19-40903360-A-G.
Other names: c.*1104T>C (NM_020956.2); short protein forms L300S.
Identifiers: ClinVar variation 805250 (VCV000805250.9), dbSNP rs748380935, ClinGen allele CA308421385.

ClinVar aggregate classification (germline): Uncertain significance. Review status: criteria provided, multiple submitters, no conflicts (2 of 4 stars). 3 submissions from 3 submitters: Uncertain significance (3). Last evaluated 2025-04-11.

Conditions:
Inborn genetic diseases. Identifiers: MedGen C0950123, MeSH D030342.
Charcot-Marie-Tooth disease type 4. Also called: Charcot-Marie-Tooth, Type 4; Charcot-Marie-Tooth disease, type IV. Identifiers: Orphanet 64749, MedGen C4082197, MONDO:0018995.

Allele frequency attached by ClinVar (database versions not stated): TOPMed 0.00001; gnomAD exomes 0.00005; gnomAD 0.00003.
gnomAD v4.1: 78 of 1,589,230 alleles (0.0049%); highest among the groups gnomAD compares: Non-Finnish European, 0.0066%; no homozygotes.

Submissions (3):

Ambry Genetics
Classification: Uncertain significance for Inborn genetic diseases. Last evaluated: 2025-04-11. Review status: criteria provided, single submitter. Criteria: Ambry Variant Classification Scheme 2023. Collection method: clinical testing. Allele origin: germline.

Labcorp Genetics (formerly Invitae), Labcorp
Classification: Uncertain significance for Charcot-Marie-Tooth disease type 4. Last evaluated: 2022-08-10. Review status: criteria provided, single submitter. Criteria: Invitae Variant Classification Sherloc (09022015). Collection method: clinical testing. Allele origin: germline.
Comment: This sequence change replaces leucine, which is neutral and non-polar, with serine, which is neutral and polar, at codon 300 of the PRX protein (p.Leu300Ser). The frequency data for this variant in the population databases is considered unreliable, as metrics indicate poor data quality at this position in the gnomAD database. This variant has not been reported in the literature in individuals affected with PRX-related conditions. ClinVar contains an entry for this variant (Variation ID: 805250). Algorithms developed to predict the effect of missense changes on protein structure and function are either unavailable or do not agree on the potential impact of this missense change (SIFT: "Tolerated"; PolyPhen-2: "Possibly Damaging"; Align-GVGD: "Class C0"). In summary, the available evidence is currently insufficient to determine the role of this variant in disease. Therefore, it has been classified as a Variant of Uncertain Significance.

Athena Diagnostics
Classification: Uncertain significance. Last evaluated: 2019-06-05. Review status: criteria provided, single submitter. Criteria: Athena Diagnostics Criteria. Collection method: clinical testing. Allele origin: germline.